The following is an entry in ClinVar:

NM_004484.4(GPC3):c.1068A>G (p.Gln356=)

Gene: GPC3 (glypican 3; minus strand). Cytogenetic location: Xq26.2.
Variant type: single nucleotide variant.
Coding change: c.1068A>G on transcript NM_004484.4 (MANE Select); coding-DNA position 1068, A replaced by G.
Protein change: p.Gln356=; no amino-acid change (glutamine 356 retained).
Molecular consequence: synonymous variant.
Genome position (GRCh38, 1-based): chrX:133,699,993, T>C on the plus strand (A>G on the coding strand, the complement: GPC3 is on the minus strand). VCF-style: chrX-133699993-T-C. GRCh37 (hg19) VCF-style: chrX-132834021-T-C.
Other names: c.1137A>G, p.Gln379= (NM_001164617.2); c.1020A>G, p.Gln340= (NM_001164618.2); c.906A>G, p.Gln302= (NM_001164619.2).
Identifiers: ClinVar variation 476639 (VCV000476639.14), dbSNP rs372212269, ClinGen allele CA10520734.

ClinVar aggregate classification (germline): Benign. Review status: criteria provided, single submitter (1 of 4 stars). 2 submissions from 2 submitters: Benign (1). 1 of the submissions does not count toward it. Last evaluated 2025-12-09.

Conditions:
Wilms tumor 1 (WT1). Also called: Wilms tumor, somatic. Identifiers: Orphanet 654, MedGen CN033288, MONDO:0008679, OMIM 194070.
GPC3-related disorder. Also called: GPC3-related condition.

Allele frequency attached by ClinVar (database versions not stated): gnomAD 0.00002; gnomAD exomes 0.00002; ExAC 0.00003; TOPMed 0.00007; ESP Exome Variant Server 0.00009.
gnomAD v4.1: 13 of 1,189,499 alleles (0.0011%); highest among the groups gnomAD compares: African/African-American, 0.0053%; no homozygotes.

Submissions (2):

Labcorp Genetics (formerly Invitae), Labcorp
Classification: Benign for Wilms tumor 1. Last evaluated: 2025-12-09. Review status: criteria provided, single submitter. Criteria: Invitae Variant Classification Sherloc (09022015). Collection method: clinical testing. Allele origin: germline.

PreventionGenetics, part of Exact Sciences
Classification: Likely benign for GPC3-related condition. Last evaluated: 2022-10-05. Review status: no assertion criteria provided. Collection method: clinical testing. Allele origin: germline. Not counted in ClinVar's aggregate classification.
Comment: This variant is classified as likely benign based on ACMG/AMP sequence variant interpretation guidelines (Richards et al. 2015 PMID: 25741868, with internal and published modifications).